The following is an entry in ClinVar:

NM_000271.5(NPC1):c.3815G>A (p.Arg1272His)

Gene: NPC1 (NPC intracellular cholesterol transporter 1; minus strand). Cytogenetic location: 18q11.2.
Variant type: single nucleotide variant.
Coding change: c.3815G>A on transcript NM_000271.5 (MANE Select); coding-DNA position 3815, G replaced by A.
Protein change: p.Arg1272His; replaces arginine 1272 with histidine.
Molecular consequence: missense variant.
Genome position (GRCh38, 1-based): chr18:23,532,224, C>T on the plus strand (G>A on the coding strand, the complement: NPC1 is on the minus strand). VCF-style: chr18-23532224-C-T. GRCh37 (hg19) VCF-style: chr18-21112188-C-T.
Other names: c.3815G>A (NM_000271.4); short protein forms R1272H.
Identifiers: ClinVar variation 1497584 (VCV001497584.4), dbSNP rs563385810, ClinGen allele CA8912632.
Genomic context (GRCh38, chr18:23,532,224, plus strand): 5'-CCTTAGACACAGTTCAGTCAGGATGCCCTGCGAGAGGGCTAGAAATTTAGAAGCCGTTCG[C>T]GCTCTGTTCCTTTGTATCGCTCTTCAGTGGCACAACTTTTGGCTTTATTTACTGATGGCC-3'
Protein context (NP_000262.2, residues 1262-1278): ATEERYKGTE[Arg1272His]ERLLNF

ClinVar aggregate classification (germline): Uncertain significance. Review status: criteria provided, multiple submitters, no conflicts (2 of 4 stars). 2 submissions from 2 submitters: Uncertain significance (2). Last evaluated 2023-05-04.

Conditions:
Niemann-Pick disease, type C1. Also called: NIEMANN-PICK DISEASE, VARIANT TYPE C1; NEUROVISCERAL STORAGE DISEASE WITH VERTICAL SUPRANUCLEAR OPHTHALMOPLEGIA; NIEMANN-PICK DISEASE WITH CHOLESTEROL ESTERIFICATION BLOCK; NIEMANN-PICK DISEASE WITHOUT SPHINGOMYELINASE DEFICIENCY; NIEMANN-PICK DISEASE, CHRONIC NEURONOPATHIC FORM. Identifiers: Orphanet 646, MedGen C3179455, MONDO:0009757, OMIM 257220.
NPC1-related disorder. Also called: NPC1-related condition.

Allele frequency attached by ClinVar (database versions not stated): ExAC 0.00002; gnomAD exomes 0.00002 and 0.00004; gnomAD 0.00008 and 0.00009; TOPMed 0.00011; 1000 Genomes Project 30x 0.00016; 1000 Genomes Project 0.00020.
gnomAD v4.1: 48 of 1,614,146 alleles (0.003%); highest among the groups gnomAD compares: African/African-American, 0.02%; no homozygotes.

Submissions (2):

PreventionGenetics, part of Exact Sciences
Classification: Uncertain significance for NPC1-related condition. Last evaluated: 2023-05-04. Review status: criteria provided, single submitter. Criteria: ACMG Guidelines, 2015. Collection method: clinical testing. Allele origin: germline.
Comment: The NPC1 c.3815G>A variant is predicted to result in the amino acid substitution p.Arg1272His. To our knowledge, this variant has not been reported in the literature. This variant is reported in 0.031% of alleles in individuals of African descent in gnomAD. At this time, the clinical significance of this variant is uncertain due to the absence of conclusive functional and genetic evidence.

Labcorp Genetics (formerly Invitae), Labcorp
Classification: Uncertain significance for Niemann-Pick disease, type C1. Last evaluated: 2022-02-14. Review status: criteria provided, single submitter. Criteria: Invitae Variant Classification Sherloc (09022015). Collection method: clinical testing. Allele origin: germline.
Comment: This sequence change replaces arginine, which is basic and polar, with histidine, which is basic and polar, at codon 1272 of the NPC1 protein (p.Arg1272His). This variant is present in population databases (rs563385810, gnomAD 0.03%). This variant has not been reported in the literature in individuals affected with NPC1-related conditions. Algorithms developed to predict the effect of missense changes on protein structure and function are either unavailable or do not agree on the potential impact of this missense change (SIFT: "Tolerated"; PolyPhen-2: "Probably Damaging"; Align-GVGD: "Class C0"). In summary, the available evidence is currently insufficient to determine the role of this variant in disease. Therefore, it has been classified as a Variant of Uncertain Significance.